The following is an entry in ClinVar:

ClinVar aggregate classification (germline): Uncertain significance. Review status: criteria provided, multiple submitters, no conflicts (2 of 4 stars). 2 submissions from 2 submitters: Uncertain significance (2). Last evaluated 2025-10-21.

Conditions:
Inborn genetic diseases. Identifiers: MedGen C0950123, MeSH D030342.
Left ventricular noncompaction 8 (LVNC8). Identifiers: Orphanet 154, Orphanet 54260, MedGen C3809288, MONDO:0014152, OMIM 615373.

Allele frequency attached by ClinVar (database versions not stated): gnomAD 0.00001; TOPMed 0.00002.
gnomAD v4.1: 19 of 1,608,324 alleles (0.0012%); highest among the groups gnomAD compares: East Asian, 0.042%; no homozygotes.

Submissions (2):

Labcorp Genetics (formerly Invitae), Labcorp
Classification: Uncertain significance for Left ventricular noncompaction 8. Last evaluated: 2025-10-21. Review status: criteria provided, single submitter. Criteria: Invitae Variant Classification Sherloc (09022015). Collection method: clinical testing. Allele origin: germline.
Comment: This sequence change replaces methionine, which is neutral and non-polar, with threonine, which is neutral and polar, at codon 289 of the PRDM16 protein (p.Met289Thr). This variant is present in population databases (rs765044618, gnomAD 0.1%), and has an allele count higher than expected for a pathogenic variant. This variant has not been reported in the literature in individuals affected with PRDM16-related conditions. ClinVar contains an entry for this variant (Variation ID: 968412). An algorithm developed to predict the effect of missense changes on protein structure and function (PolyPhen-2) suggests that this variant is likely to be tolerated. In summary, the available evidence is currently insufficient to determine the role of this variant in disease. Therefore, it has been classified as a Variant of Uncertain Significance.

Ambry Genetics
Classification: Uncertain significance for Inborn genetic diseases. Last evaluated: 2023-02-27. Review status: criteria provided, single submitter. Criteria: Ambry Variant Classification Scheme 2023. Collection method: clinical testing. Allele origin: germline.

NM_022114.4(PRDM16):c.866T>C (p.Met289Thr)

Gene: PRDM16 (PR/SET domain 16; plus strand). Cytogenetic location: 1p36.32.
Variant type: single nucleotide variant.
Coding change: c.866T>C on transcript NM_022114.4 (MANE Select); coding-DNA position 866, T replaced by C.
Protein change: p.Met289Thr; replaces methionine 289 with threonine.
Molecular consequence: missense variant.
Genome position (GRCh38, 1-based): chr1:3,402,980, T>C. VCF-style: chr1-3402980-T-C. GRCh37 (hg19) VCF-style: chr1-3319544-T-C.
Other names: c.866T>C, p.Met289Thr (NM_199454.3); short protein forms M289T.
Identifiers: ClinVar variation 968412 (VCV000968412.11), dbSNP rs765044618, ClinGen allele CA543982.
Genomic context (GRCh38, chr1:3,402,980, plus strand): 5'-AGCCCGAGGGCCTTGGCGGTGGCAGCGGCCAAGCCCACGAGTGCAAGGACTGCGAGCGGA[T>C]GTTCCCCAACAAGTACAGGTGCCACGCCCTCCTCTGAGTCTTCCTCCCCTTCCCGTACCC-3'
Protein context (NP_071397.3, residues 279-299): QAHECKDCER[Met289Thr]FPNKYSLEQH